The following is an entry in ClinVar:

ClinVar aggregate classification (germline): Pathogenic. Review status: criteria provided, multiple submitters, no conflicts (2 of 4 stars). 3 submissions from 3 submitters: Pathogenic (3). Last evaluated 2020-10-21.

Conditions:
Hereditary cancer-predisposing syndrome. Also called: Tumor predisposition; Neoplastic Syndromes, Hereditary; Hereditary neoplastic syndrome; Hereditary Cancer Syndrome. Identifiers: Orphanet 140162, MedGen C0027672, MeSH D009386, MONDO:0015356.
Multiple endocrine neoplasia, type 1 (MEN1). Also called: MEN I; WERMER SYNDROME; Endocrine adenomatosis multiple; MEN 1; MEA I. Identifiers: Orphanet 652, MedGen C0025267, MeSH D018761, MONDO:0007540, OMIM 131100.

Submissions (3):

Labcorp Genetics (formerly Invitae), Labcorp
Classification: Pathogenic for Multiple endocrine neoplasia, type 1. Last evaluated: 2020-10-21. Review status: criteria provided, single submitter. Criteria: Invitae Variant Classification Sherloc (09022015). Collection method: clinical testing. Allele origin: germline.
Comment: For these reasons, this variant has been classified as Pathogenic. Loss-of-function variants in MEN1 are known to be pathogenic (PMID: 12112656, 17853334). A different variant (c.659G>A) giving rise to the same protein effect observed here (p.Trp220*) has been determined to be pathogenic (PMID: 9709921). This suggests that this variant is also likely to be causative of disease. This variant has been observed in individuas affected with multiple endocrine neoplasia type 1 (PMID: 12112656, 15635078). ClinVar contains an entry for this variant (Variation ID: 265235). This variant is not present in population databases (ExAC no frequency). This sequence change creates a premature translational stop signal (p.Trp220*) in the MEN1 gene. It is expected to result in an absent or disrupted protein product.

GeneDx
Classification: Pathogenic. Last evaluated: 2016-05-06. Review status: criteria provided, single submitter. Criteria: GeneDx Variant Classification (06012015). Collection method: clinical testing. Allele origin: germline. Affected: yes.
Comment: The W220X nonsense variant in the MEN1 gene has been reported previously in association with multiple endocrine neoplasia type 1 (Cardinal et al., 2005). This pathogenic variant is predicted to cause loss of normal protein function either through protein truncation or nonsense-mediated mRNA decay. Furthermore, The W220X variant was not observed in approximately 6,500 individuals of European and African American ancestry in the NHLBI Exome Sequencing Project, indicating it is not a common benign variant in these populations. Therefore, we consider W220X to be pathogenic.

Ambry Genetics
Classification: Pathogenic for Hereditary cancer-predisposing syndrome. Last evaluated: 2015-12-16. Review status: criteria provided, single submitter. Criteria: Ambry Variant Classification Scheme 2023. Collection method: clinical testing. Allele origin: germline.
Comment: The p.W220* pathogenic mutation (also known as c.660G>A), located in coding exon 3 of the MEN1 gene, results from a G to A substitution at nucleotide position 660. This changes the amino acid from a tryptophan to a stop codon within coding exon 3. This pathogenic mutation has been reported in multiple unrelated families with a clinical diagnosis of MEN1 (Wautot V et al. Hum. Mutat. 2002 Jul; 20(1):35-47; Cardinal JW et al. J. Med. Genet. 2005 Jan; 42(1):69-74). In addition to the clinical data presented in the literature, since premature stop codons are typically deleterious in nature, this alteration is interpreted as a disease-causing mutation (ACMG Recommendations for Standards for Interpretation and Reporting of Sequence Variations. Revision 2007. Genet Med. 2008;10:294).

Literature cited by the submitters: PubMed 12112656 (cited by Labcorp Genetics (formerly Invitae), Labcorp and Ambry Genetics); PubMed 17853334 (cited by Labcorp Genetics (formerly Invitae), Labcorp); PubMed 9709921 (cited by Labcorp Genetics (formerly Invitae), Labcorp); PubMed 15635078 (cited by Labcorp Genetics (formerly Invitae), Labcorp and Ambry Genetics).

NM_001370259.2(MEN1):c.660G>A (p.Trp220Ter)

Gene: MEN1 (menin 1; minus strand). Cytogenetic location: 11q13.1.
Variant type: single nucleotide variant.
Coding change: c.660G>A on transcript NM_001370259.2 (MANE Select); coding-DNA position 660, G replaced by A.
Protein change: p.Trp220Ter; replaces tryptophan 220 with a stop codon.
Molecular consequence: nonsense.
Genome position (GRCh38, 1-based): chr11:64,807,675, C>T on the plus strand (G>A on the coding strand, the complement: MEN1 is on the minus strand). VCF-style: chr11-64807675-C-T. GRCh37 (hg19) VCF-style: chr11-64575147-C-T.
Other names: c.675G>A, p.Trp225Ter (NM_000244.4, NM_130800.3, NM_130801.3 and 3 more transcripts); c.660G>A, p.Trp220Ter (NM_001370251.2, NM_001370260.2, NM_001370261.2 and 1 more transcripts); c.555G>A, p.Trp185Ter (NM_001370262.2, NM_001370263.2); short protein forms W220*, W225*, W185*.
Identifiers: ClinVar variation 265235 (VCV000265235.16), dbSNP rs886039414, ClinGen allele CA10588533.